The following is an entry in ClinVar:

ClinVar aggregate classification (germline): Uncertain significance. Review status: criteria provided, multiple submitters, no conflicts (2 of 4 stars). 4 submissions from 4 submitters: Uncertain significance (4). Last evaluated 2025-06-09.

Conditions:
Long QT syndrome (LQTS). Identifiers: MedGen C0023976, MeSH D008133, MONDO:0002442. Disease mechanism: loss of function. Inheritance: Various modes of inheritance.
Cardiac arrhythmia. Also called: Arrhythmia; Cardiac rhythm disease. Identifiers: MedGen C0003811, MONDO:0007263, HP:0011675.

Allele frequency attached by ClinVar (database versions not stated): gnomAD 0.00001; TOPMed 0.00001.
gnomAD v4.1: 1 of 1,612,976 alleles (0.000062%); highest among the groups gnomAD compares: Non-Finnish European, 0.000085%; no homozygotes.

Submissions (4):

Color Diagnostics, LLC DBA Color Health
Classification: Uncertain significance for Cardiac arrhythmia. Last evaluated: 2025-06-09. Review status: criteria provided, single submitter. Criteria: ACMG Guidelines, 2015. Collection method: clinical testing. Allele origin: germline.
Comment: This missense variant replaces histidine with glutamine at codon 309 of the KCNH2 protein. Computational prediction is inconclusive regarding the impact of this variant on protein structure and function. To our knowledge, functional studies have not been reported for this variant. This variant has not been reported in individuals affected with KCNH2-related disorders in the literature. This variant has not been identified in the general population by the Genome Aggregation Database (gnomAD). The available evidence is insufficient to determine the role of this variant in disease conclusively. Therefore, this variant is classified as a Variant of Uncertain Significance.

All of Us Research Program, National Institutes of Health
Classification: Uncertain significance for Long QT syndrome. Last evaluated: 2023-10-02. Review status: criteria provided, single submitter. Criteria: ACMG Guidelines, 2015. Collection method: clinical testing. Allele origin: germline. Inheritance: Autosomal dominant inheritance. Observed: 2 variant alleles, 2 heterozygotes.
Comment: This missense variant replaces histidine with glutamine at codon 309 of the KCNH2 protein. Computational prediction is inconclusive regarding the impact of this variant on protein structure and function (internally defined REVEL score threshold 0.5 < inconclusive < 0.7, PMID: 27666373). To our knowledge, functional studies have not been reported for this variant. This variant has not been reported in individuals affected with KCNH2-related disorders in the literature. This variant has not been identified in the general population by the Genome Aggregation Database (gnomAD). The available evidence is insufficient to determine the role of this variant in disease conclusively. Therefore, this variant is classified as a Variant of Uncertain Significance.

This study involves interpretation of variants in research participants for the purpose of population health screening. Participant phenotype was not available at the time of variant classification. Additional details can be found in publication PMID: 35346344, PMCID: PMC8962531

Labcorp Genetics (formerly Invitae), Labcorp
Classification: Uncertain significance for Long QT syndrome. Last evaluated: 2023-03-10. Review status: criteria provided, single submitter. Criteria: Invitae Variant Classification Sherloc (09022015). Collection method: clinical testing. Allele origin: germline.
Comment: This sequence change replaces histidine, which is basic and polar, with glutamine, which is neutral and polar, at codon 309 of the KCNH2 protein (p.His309Gln). This variant is not present in population databases (gnomAD no frequency). This variant has not been reported in the literature in individuals affected with KCNH2-related conditions. An algorithm developed to predict the effect of missense changes on protein structure and function (PolyPhen-2) suggests that this variant is likely to be tolerated. In summary, the available evidence is currently insufficient to determine the role of this variant in disease. Therefore, it has been classified as a Variant of Uncertain Significance.

Blueprint Genetics
Classification: Uncertain significance. Last evaluated: 2022-08-09. Review status: criteria provided, single submitter. Criteria: ACMG Guidelines, 2015. Collection method: clinical testing. Allele origin: germline.

NM_000238.4(KCNH2):c.927C>G (p.His309Gln)

Gene: KCNH2 (potassium voltage-gated channel subfamily H member 2; minus strand). Cytogenetic location: 7q36.1.
Variant type: single nucleotide variant.
Coding change: c.927C>G on transcript NM_000238.4 (MANE Select); coding-DNA position 927, C replaced by G.
Protein change: p.His309Gln; replaces histidine 309 with glutamine.
Molecular consequence: missense variant.
Genome position (GRCh38, 1-based): chr7:150,957,492, G>C on the plus strand (C>G on the coding strand, the complement: KCNH2 is on the minus strand). VCF-style: chr7-150957492-G-C. GRCh37 (hg19) VCF-style: chr7-150654580-G-C.
Other names: c.639C>G, p.His213Gln (NM_001406753.1, NM_001406756.1); c.750C>G, p.His250Gln (NM_001406755.1); c.627C>G, p.His209Gln (NM_001406757.1); c.927C>G, p.His309Gln (NM_172056.3); short protein forms H309Q, H213Q, H209Q, H250Q.
Identifiers: ClinVar variation 2726305 (VCV002726305.6), dbSNP rs775056804, ClinGen allele CA369861927.